The following is an entry in ClinVar:

ClinVar aggregate classification (germline): Uncertain significance (1 of 4 stars; one submission).

Conditions:
Cardiovascular phenotype. Identifiers: MedGen CN230736.

Submission:

Ambry Genetics
Classification: Uncertain significance for Cardiovascular phenotype. Last evaluated: 2026-01-24. Review status: criteria provided, single submitter. Criteria: Ambry Variant Classification Scheme 2023. Collection method: clinical testing. Allele origin: germline.
Comment: The p.S527R variant (also known as c.1581T>G), located in coding exon 14 of the PRDM5 gene, results from a T to G substitution at nucleotide position 1581. The serine at codon 527 is replaced by arginine, an amino acid with dissimilar properties. This amino acid position is conserved. In addition, this alteration is predicted to be tolerated by in silico analysis. Based on the available evidence, the clinical significance of this variant remains unclear.

NM_018699.4(PRDM5):c.1581T>G (p.Ser527Arg)

Gene: PRDM5 (PR/SET domain 5; minus strand). Cytogenetic location: 4q27.
Variant type: single nucleotide variant.
Coding change: c.1581T>G on transcript NM_018699.4 (MANE Select); coding-DNA position 1581, T replaced by G.
Protein change: p.Ser527Arg; replaces serine 527 with arginine.
Molecular consequence: missense variant. On other transcripts: intron variant (1).
Genome position (GRCh38, 1-based): chr4:120,754,595, A>C on the plus strand (T>G on the coding strand, the complement: PRDM5 is on the minus strand). VCF-style: chr4-120754595-A-C. GRCh37 (hg19) VCF-style: chr4-121675750-A-C.
Other names: c.1488T>G, p.Ser496Arg (NM_001300823.2, NM_001379106.1); c.1614T>G, p.Ser538Arg (NM_001379104.1); c.1444+22593T>G (NM_001300824.2); short protein forms S496R, S527R, S538R.
Identifiers: ClinVar variation 4824045 (VCV004824045.1).